The following is an entry in ClinVar:

ClinVar aggregate classification (germline): Likely benign. Review status: criteria provided, multiple submitters, no conflicts (2 of 4 stars). 4 submissions from 4 submitters: Likely benign (3). 1 of the submissions does not count toward it. Last evaluated 2025-05-28.

Conditions:
Deficiency of hyaluronoglucosaminidase (MPS9). Also called: Mucopolysaccharidosis type 9; MPS IX; HYALURONIDASE DEFICIENCY. Identifiers: Orphanet 67041, MedGen C1291490, MONDO:0011093, OMIM 601492.
HYAL1-related disorder. Also called: HYAL1-related condition.

Allele frequency attached by ClinVar (database versions not stated): gnomAD 0.00004 and 0.00007; ESP Exome Variant Server 0.00008; gnomAD exomes 0.00010 and 0.00013; TOPMed 0.00010; ExAC 0.00012.
gnomAD v4.1: 146 of 1,614,116 alleles (0.009%); highest among the groups gnomAD compares: East Asian, 0.19%; no homozygotes.

Submissions (4):

PreventionGenetics, part of Exact Sciences
Classification: Likely benign for HYAL1-related condition. Last evaluated: 2025-05-28. Review status: criteria provided, single submitter. Criteria: ACMG Guidelines, 2015. Collection method: clinical testing. Allele origin: germline.
Comment: This variant is classified as likely benign based on ACMG/AMP sequence variant interpretation guidelines (Richards et al. 2015 PMID: 25741868, with internal and published modifications).

Labcorp Genetics (formerly Invitae), Labcorp
Classification: Likely benign for Deficiency of hyaluronoglucosaminidase. Last evaluated: 2024-09-03. Review status: criteria provided, single submitter. Criteria: Invitae Variant Classification Sherloc (09022015). Collection method: clinical testing. Allele origin: germline.

Blueprint Genetics
Classification: Likely benign. Last evaluated: 2024-08-16. Review status: criteria provided, single submitter. Criteria: ACMG Guidelines, 2015. Collection method: clinical testing. Allele origin: germline.

Natera, Inc.
Classification: Uncertain significance for Mucopolysaccharidosis type IX. Last evaluated: 2020-02-13. Review status: no assertion criteria provided. Collection method: clinical testing. Allele origin: germline. Not counted in ClinVar's aggregate classification.

NM_033159.4(HYAL1):c.483T>C (p.Asp161=)

Gene: HYAL1 (hyaluronidase 1; minus strand). Cytogenetic location: 3p21.31.
Variant type: single nucleotide variant.
Coding change: c.483T>C on transcript NM_033159.4 (MANE Select); coding-DNA position 483, T replaced by C.
Protein change: p.Asp161=; no amino-acid change (aspartic acid 161 retained).
Molecular consequence: synonymous variant. On other transcripts: 5 prime UTR variant (1), non-coding transcript variant (1), intron variant (1).
Genome position (GRCh38, 1-based): chr3:50,302,474, A>G on the plus strand (T>C on the coding strand, the complement: HYAL1 is on the minus strand). VCF-style: chr3-50302474-A-G. GRCh37 (hg19) VCF-style: chr3-50339905-A-G.
Other names: c.483T>C, p.Asp161= (NM_153281.2, NM_153282.3); c.-64T>C (NM_153283.3); c.-26-269T>C (NM_153285.3).
Identifiers: ClinVar variation 739148 (VCV000739148.12), dbSNP rs368360137, ClinGen allele CA2415938.